The following is an entry in ClinVar:

NM_012186.3(FOXE3):c.261C>T (p.Ala87=)

Genes: FOXE3 (forkhead box E3; plus strand), LINC01389 (long independently transcribed non-coding RNA 1389; minus strand). Cytogenetic location: 1p33.
Variant type: single nucleotide variant.
Coding change: c.261C>T on transcript NM_012186.3 (MANE Select); coding-DNA position 261, C replaced by T.
Protein change: p.Ala87=; no amino-acid change (alanine 87 retained).
Molecular consequence: synonymous variant.
Genome position (GRCh38, 1-based): chr1:47,416,576, C>T. VCF-style: chr1-47416576-C-T. GRCh37 (hg19) VCF-style: chr1-47882248-C-T.
Identifiers: ClinVar variation 3750342 (VCV003750342.2).
Genomic context (GRCh38, chr1:47,416,576, plus strand): 5'-GCAGCGCGGGAAGCCGCCCTACTCGTACATCGCGCTCATCGCCATGGCTCTGGCGCACGC[C>T]CCGGGCCGCCGCCTCACGCTGGCCGCCATCTACCGCTTCATCACCGAACGCTTTGCCTTC-3'
Protein context (NP_036318.1, residues 77-97): IALIAMALAH[Ala87=]PGRRLTLAAI

ClinVar aggregate classification (germline): Uncertain significance (1 of 4 stars; one submission).

Conditions:
Congenital primary aphakia. Also called: Anterior segment dysgenesis 2, multiple subtypes; ANTERIOR SEGMENT DYSGENESIS 2. Identifiers: Orphanet 83461, MedGen C1853230, MONDO:0012456, OMIM 610256.
Anterior segment dysgenesis. Also called: Ocular anterior segment dysgenesis. Identifiers: Orphanet 88632, MedGen C1862839, MONDO:0019503, HP:0007700.

gnomAD v4.1: 2 of 1,605,724 alleles (0.00012%); highest among the groups gnomAD compares: African/African-American, 0.0013%; no homozygotes.

Submission:

Labcorp Genetics (formerly Invitae), Labcorp
Classification: Uncertain significance for Anterior segment dysgenesis; Congenital primary aphakia. Last evaluated: 2026-01-17. Review status: criteria provided, single submitter. Criteria: Invitae Variant Classification Sherloc (09022015). Collection method: clinical testing. Allele origin: germline.
Comment: This sequence change affects codon 87 of the FOXE3 mRNA. It is a 'silent' change, meaning that it does not change the encoded amino acid sequence of the FOXE3 protein. This variant is not present in population databases (gnomAD no frequency). This variant has not been reported in the literature in individuals affected with FOXE3-related conditions. ClinVar contains an entry for this variant (Variation ID: 3750342). In summary, the available evidence is currently insufficient to determine the role of this variant in disease. Therefore, it has been classified as a Variant of Uncertain Significance.